The following is an entry in ClinVar:

ClinVar aggregate classification (germline): Uncertain significance (1 of 4 stars; one submission).

Conditions:
Inborn genetic diseases. Identifiers: MedGen C0950123, MeSH D030342.

gnomAD v4.1: 7 of 1,613,930 alleles (0.00043%); highest among the groups gnomAD compares: African/African-American, 0.0027%; no homozygotes.

Submission:

Ambry Genetics
Classification: Uncertain significance for Inborn genetic diseases. Last evaluated: 2025-03-20. Review status: criteria provided, single submitter. Criteria: Ambry Variant Classification Scheme 2023. Collection method: clinical testing. Allele origin: germline.
Comment: The p.N127S variant (also known as c.380A>G), located in coding exon 1 of the FANCM gene, results from an A to G substitution at nucleotide position 380. The asparagine at codon 127 is replaced by serine, an amino acid with highly similar properties. This amino acid position is conserved. In addition, this alteration is predicted to be tolerated by in silico analysis. Based on the available evidence, the clinical significance of this variant remains unclear.

NM_020937.4(FANCM):c.380A>G (p.Asn127Ser)

Gene: FANCM (FA complementation group M; plus strand). Cytogenetic location: 14q21.2.
Variant type: single nucleotide variant.
Coding change: c.380A>G on transcript NM_020937.4 (MANE Select); coding-DNA position 380, A replaced by G.
Protein change: p.Asn127Ser; replaces asparagine 127 with serine.
Molecular consequence: missense variant.
Genome position (GRCh38, 1-based): chr14:45,136,411, A>G. VCF-style: chr14-45136411-A-G. GRCh37 (hg19) VCF-style: chr14-45605614-A-G.
Other names: c.380A>G, p.Asn127Ser (NM_001308133.2, NM_001308134.2); short protein forms N127S.
Identifiers: ClinVar variation 4022594 (VCV004022594.1).